The following is an entry in ClinVar:

ClinVar aggregate classification (germline): Uncertain significance (1 of 4 stars; one submission).

Conditions:
ATP1A3-related disorder. Also called: ATP1A3-related disorders; ATP1A3-related condition. Identifiers: MedGen CN381097.

Submission:

PreventionGenetics, part of Exact Sciences
Classification: Uncertain significance for ATP1A3-related condition. Last evaluated: 2026-09-19. Review status: criteria provided, single submitter. Criteria: ACMG Guidelines, 2015. Collection method: clinical testing. Allele origin: germline.
Comment: The ATP1A3 c.1987G>T variant is predicted to result in the amino acid substitution p.Ala663Ser. To our knowledge, this variant has not been reported in the literature or in a large population database (gnomAD), indicating this variant is rare. At this time, the clinical significance of this variant is uncertain due to the absence of conclusive functional and genetic evidence.

NM_152296.5(ATP1A3):c.1948G>T (p.Ala650Ser)

Gene: ATP1A3 (ATPase Na+/K+ transporting subunit alpha 3; minus strand). Cytogenetic location: 19q13.2.
Variant type: single nucleotide variant.
Coding change: c.1948G>T on transcript NM_152296.5 (MANE Select); coding-DNA position 1948, G replaced by T.
Protein change: p.Ala650Ser; replaces alanine 650 with serine.
Molecular consequence: missense variant.
Genome position (GRCh38, 1-based): chr19:41,976,562, C>A on the plus strand (G>T on the coding strand, the complement: ATP1A3 is on the minus strand). VCF-style: chr19-41976562-C-A. GRCh37 (hg19) VCF-style: chr19-42480714-C-A.
Other names: c.1981G>T, p.Ala661Ser (NM_001256213.2); c.1987G>T, p.Ala663Ser (NM_001256214.2); short protein forms A650S, A661S, A663S.
Identifiers: ClinVar variation 4992806 (VCV004992806.1).